The following is an entry in ClinVar:

NM_152383.5(DIS3L2):c.2158G>C (p.Gly720Arg)

Gene: DIS3L2 (DIS3 like 3'-5' exoribonuclease 2; plus strand). Cytogenetic location: 2q37.1.
Variant type: single nucleotide variant.
Coding change: c.2158G>C on transcript NM_152383.5 (MANE Select); coding-DNA position 2158, G replaced by C.
Protein change: p.Gly720Arg; replaces glycine 720 with arginine.
Molecular consequence: missense variant. On other transcripts: non-coding transcript variant (2), intron variant (1).
Genome position (GRCh38, 1-based): chr2:232,333,987, G>C. VCF-style: chr2-232333987-G-C. GRCh37 (hg19) VCF-style: chr2-233198697-G-C.
Other names: c.1582-9358G>C (NM_001257281.2); short protein forms G720R.
Identifiers: ClinVar variation 661316 (VCV000661316.8), dbSNP rs1575027390, ClinGen allele CA350977594.

ClinVar aggregate classification (germline): Uncertain significance (1 of 4 stars; one submission).

Conditions:
Perlman syndrome (PRLMNS). Identifiers: Orphanet 2849, MedGen C0796113, MONDO:0009965, OMIM 267000.

Submission:

Labcorp Genetics (formerly Invitae), Labcorp
Classification: Uncertain significance for Perlman syndrome. Last evaluated: 2018-11-20. Review status: criteria provided, single submitter. Criteria: Invitae Variant Classification Sherloc (09022015). Collection method: clinical testing. Allele origin: germline.
Comment: Nucleotide substitutions within the consensus splice site are a relatively common cause of aberrant splicing (PMID: 17576681, 9536098). Algorithms developed to predict the effect of sequence changes on RNA splicing suggest that this variant may disrupt the consensus splice site, but this prediction has not been confirmed by published transcriptional studies. Algorithms developed to predict the effect of missense changes on protein structure and function are either unavailable or do not agree on the potential impact of this missense change (SIFT: "Deleterious"; PolyPhen-2: "Probably Damaging"; Align-GVGD: "Class C0"). This variant has not been reported in the literature in individuals with DIS3L2-related disease. This variant is not present in population databases (ExAC no frequency). This sequence change replaces glycine with arginine at codon 720 of the DIS3L2 protein (p.Gly720Arg). The glycine residue is moderately conserved and there is a moderate physicochemical difference between glycine and arginine. This variant also falls at the last nucleotide of exon 17 of the DIS3L2 coding sequence, which is part of the consensus splice site for this exon. In summary, the available evidence is currently insufficient to determine the role of this variant in disease. Therefore, it has been classified as a Variant of Uncertain Significance.

Literature cited by the submitters: PubMed 17576681; PubMed 9536098.